The following is an entry in ClinVar:

NM_002539.3(ODC1):c.1312C>T (p.Pro438Ser)

Gene: ODC1 (ornithine decarboxylase 1; minus strand). Cytogenetic location: 2p25.1.
Variant type: single nucleotide variant.
Coding change: c.1312C>T on transcript NM_002539.3 (MANE Select); coding-DNA position 1312, C replaced by T.
Protein change: p.Pro438Ser; replaces proline 438 with serine.
Molecular consequence: missense variant.
Genome position (GRCh38, 1-based): chr2:10,440,798, G>A on the plus strand (C>T on the coding strand, the complement: ODC1 is on the minus strand). VCF-style: chr2-10440798-G-A. GRCh37 (hg19) VCF-style: chr2-10580924-G-A.
Other names: c.925C>T, p.Pro309Ser (NM_001287188.2); c.1312C>T, p.Pro438Ser (NM_001287189.2, NM_001287190.2); short protein forms P309S, P438S.
Identifiers: ClinVar variation 2582119 (VCV002582119.1), dbSNP rs753193727, ClinGen allele CA345812937.

ClinVar aggregate classification (germline): Uncertain significance (1 of 4 stars; one submission).

Submission:

GeneDx
Classification: Uncertain significance. Last evaluated: 2023-03-29. Review status: criteria provided, single submitter. Criteria: GeneDx Variant Classification Process June 2021. Collection method: clinical testing. Allele origin: germline. Affected: yes.
Comment: Not observed at significant frequency in large population cohorts (gnomAD); In silico analysis supports that this missense variant has a deleterious effect on protein structure/function; Has not been previously published as pathogenic or benign to our knowledge